The following is an entry in ClinVar:

ClinVar aggregate classification (germline): Uncertain significance (1 of 4 stars; one submission).

gnomAD v4.1: 4 of 1,613,250 alleles (0.00025%); highest among the groups gnomAD compares: Non-Finnish European, 0.00034%; no homozygotes.

Submission:

Labcorp Genetics (formerly Invitae), Labcorp
Classification: Uncertain significance. Last evaluated: 2024-10-28. Review status: criteria provided, single submitter. Criteria: Invitae Variant Classification Sherloc (09022015). Collection method: clinical testing. Allele origin: germline.
Comment: This sequence change replaces isoleucine, which is neutral and non-polar, with valine, which is neutral and non-polar, at codon 77 of the WNT3 protein (p.Ile77Val). This variant is present in population databases (rs759357140, gnomAD 0.002%). This variant has not been reported in the literature in individuals affected with WNT3-related conditions. Invitae Evidence Modeling of protein sequence and biophysical properties (such as structural, functional, and spatial information, amino acid conservation, physicochemical variation, residue mobility, and thermodynamic stability) indicates that this missense variant is not expected to disrupt WNT3 protein function with a negative predictive value of 80%. In summary, the available evidence is currently insufficient to determine the role of this variant in disease. Therefore, it has been classified as a Variant of Uncertain Significance.

NM_030753.5(WNT3):c.229A>G (p.Ile77Val)

Genes: LRRC37A2 (leucine rich repeat containing 37 member A2), WNT3 (Wnt family member 3; minus strand). Cytogenetic location: 17q21.31.
Variant type: single nucleotide variant.
Coding change: c.229A>G on transcript NM_030753.5 (MANE Select); coding-DNA position 229, A replaced by G.
Protein change: p.Ile77Val; replaces isoleucine 77 with valine.
Molecular consequence: missense variant.
Genome position (GRCh38, 1-based): chr17:46,773,761, T>C on the plus strand (A>G on the coding strand, the complement: WNT3 is on the minus strand). VCF-style: chr17-46773761-T-C. GRCh37 (hg19) VCF-style: chr17-44851127-T-C.
Other names: short protein forms I77V.
Identifiers: ClinVar variation 3690127 (VCV003690127.2).